The following is an entry in ClinVar:

ClinVar aggregate classification (germline): Likely benign (1 of 4 stars; one submission).

Allele frequency attached by ClinVar (database versions not stated): gnomAD exomes 0.00002 and 0.00004; TOPMed 0.00003; gnomAD 0.00011; 1000 Genomes Project 30x 0.00016; 1000 Genomes Project 0.00020.
gnomAD v4.1: 47 of 1,516,346 alleles (0.0031%); highest among the groups gnomAD compares: Admixed American, 0.049%; no homozygotes.

Submission:

GeneDx
Classification: Likely benign. Last evaluated: 2016-06-02. Review status: criteria provided, single submitter. Criteria: GeneDx Variant Classification (06012015). Collection method: clinical testing. Allele origin: germline. Affected: yes.
Comment: This variant is considered likely benign or benign based on one or more of the following criteria: it is a conservative change, it occurs at a poorly conserved position in the protein, it is predicted to be benign by multiple in silico algorithms, and/or has population frequency not consistent with disease.

NM_194279.4(ISCA2):c.-6A>C

Genes: ISCA2 (iron-sulfur cluster assembly 2; plus strand), LOC130056095 (ATAC-STARR-seq lymphoblastoid active region 8728; plus strand). Cytogenetic location: 14q24.3.
Variant type: single nucleotide variant.
Coding change: c.-6A>C on transcript NM_194279.4 (MANE Select); 6 bases upstream of the start codon, A replaced by C.
Molecular consequence: 5 prime UTR variant.
Genome position (GRCh38, 1-based): chr14:74,493,769, A>C. VCF-style: chr14-74493769-A-C. GRCh37 (hg19) VCF-style: chr14-74960472-A-C.
Other names: c.-6A>C (NM_001272007.2).
Identifiers: ClinVar variation 386276 (VCV000386276.1), dbSNP rs186648323, ClinGen allele CA16606877.